The following is an entry in ClinVar:

ClinVar aggregate classification (germline): Uncertain significance (1 of 4 stars; one submission).

Conditions:
Inborn genetic diseases. Identifiers: MedGen C0950123, MeSH D030342.

Submission:

Ambry Genetics
Classification: Uncertain significance for Inborn genetic diseases. Last evaluated: 2025-04-01. Review status: criteria provided, single submitter. Criteria: Ambry Variant Classification Scheme 2023. Collection method: clinical testing. Allele origin: germline.
Comment: The p.M480V variant (also known as c.1438A>G), located in coding exon 9 of the FANCM gene, results from an A to G substitution at nucleotide position 1438. The methionine at codon 480 is replaced by valine, an amino acid with highly similar properties. This amino acid position is conserved. In addition, the in silico prediction for this alteration is inconclusive. Based on the available evidence, the clinical significance of this variant remains unclear.

NM_020937.4(FANCM):c.1438A>G (p.Met480Val)

Gene: FANCM (FA complementation group M; plus strand). Cytogenetic location: 14q21.2.
Variant type: single nucleotide variant.
Coding change: c.1438A>G on transcript NM_020937.4 (MANE Select); coding-DNA position 1438, A replaced by G.
Protein change: p.Met480Val; replaces methionine 480 with valine.
Molecular consequence: missense variant.
Genome position (GRCh38, 1-based): chr14:45,159,137, A>G. VCF-style: chr14-45159137-A-G. GRCh37 (hg19) VCF-style: chr14-45628340-A-G.
Other names: c.1360A>G, p.Met454Val (NM_001308133.2); c.1438A>G, p.Met480Val (NM_001308134.2); short protein forms M480V, M454V.
Identifiers: ClinVar variation 4022644 (VCV004022644.1).